The following is an entry in ClinVar:

ClinVar aggregate classification (germline): Uncertain significance (1 of 4 stars; one submission).

Submission:

Labcorp Genetics (formerly Invitae), Labcorp
Classification: Uncertain significance. Last evaluated: 2025-12-10. Review status: criteria provided, single submitter. Criteria: Invitae Variant Classification Sherloc (09022015). Collection method: clinical testing. Allele origin: germline.
Comment: This sequence change replaces tyrosine, which is neutral and polar, with phenylalanine, which is neutral and non-polar, at codon 173 of the RAB11B protein (p.Tyr173Phe). This variant is present in population databases (rs754387016, gnomAD 0.002%). This variant has not been reported in the literature in individuals affected with RAB11B-related conditions. An algorithm developed to predict the effect of missense changes on protein structure and function (PolyPhen-2) suggests that this variant is likely to be disruptive. In summary, the available evidence is currently insufficient to determine the role of this variant in disease. Therefore, it has been classified as a Variant of Uncertain Significance.

NM_004218.4(RAB11B):c.518A>T (p.Tyr173Phe)

Gene: RAB11B (RAB11B, member RAS oncogene family; plus strand). Cytogenetic location: 19p13.2.
Variant type: single nucleotide variant.
Coding change: c.518A>T on transcript NM_004218.4 (MANE Select); coding-DNA position 518, A replaced by T.
Protein change: p.Tyr173Phe; replaces tyrosine 173 with phenylalanine.
Molecular consequence: missense variant.
Genome position (GRCh38, 1-based): chr19:8,403,419, A>T. VCF-style: chr19-8403419-A-T. GRCh37 (hg19) VCF-style: chr19-8468303-A-T.
Other names: short protein forms Y173F.
Identifiers: ClinVar variation 4774851 (VCV004774851.1).
Genomic context (GRCh38, chr19:8,403,419, plus strand): 5'-GGCAGGCAGGGCACGTGCTGGCTCACCCCACGTCCCCCTGTACCCCCTTTGCAGAGATCT[A>T]CCGCATCGTGTCACAGAAACAGATCGCAGACCGCGCTGCCCACGACGAGTCCCCGGGGAA-3'
Protein context (NP_004209.2, residues 163-183): EAFKNILTEI[Tyr173Phe]RIVSQKQIAD